The following is an entry in ClinVar:

ClinVar aggregate classification (germline): Uncertain significance. Review status: criteria provided, multiple submitters, no conflicts (2 of 4 stars). 3 submissions from 3 submitters: Uncertain significance (3). Last evaluated 2022-12-17.

Conditions:
Inborn genetic diseases. Identifiers: MedGen C0950123, MeSH D030342.

Allele frequency attached by ClinVar (database versions not stated): gnomAD exomes below 0.00001; ExAC 0.00001.
gnomAD v4.1: 12 of 1,565,736 alleles (0.00077%); highest among the groups gnomAD compares: Middle Eastern, 0.017%; no homozygotes.

Submissions (3):

Dubai Health Genomic Medicine Center, Dubai Health
Classification: Uncertain significance. Last evaluated: 2022-12-17. Review status: criteria provided, single submitter. Criteria: ACMG Guidelines, 2015. Collection method: clinical testing. Allele origin: germline. Affected: yes.

Ambry Genetics
Classification: Uncertain significance for Inborn genetic diseases. Last evaluated: 2021-07-13. Review status: criteria provided, single submitter. Criteria: Ambry Variant Classification Scheme 2023. Collection method: clinical testing. Allele origin: germline.

GeneDx
Classification: Uncertain significance. Last evaluated: 2019-08-07. Review status: criteria provided, single submitter. Criteria: GeneDx Variant Classification Process June 2021. Collection method: clinical testing. Allele origin: germline. Affected: yes.
Comment: Has not been previously published as pathogenic or benign to our knowledge; In silico analysis, which includes protein predictors and evolutionary conservation, supports that this variant does not alter protein structure/function

NM_006612.6(KIF1C):c.3081C>A (p.His1027Gln)

Gene: KIF1C (kinesin family member 1C; plus strand). Cytogenetic location: 17p13.2.
Variant type: single nucleotide variant.
Coding change: c.3081C>A on transcript NM_006612.6 (MANE Select); coding-DNA position 3081, C replaced by A.
Protein change: p.His1027Gln; replaces histidine 1027 with glutamine.
Molecular consequence: missense variant.
Genome position (GRCh38, 1-based): chr17:5,023,920, C>A. VCF-style: chr17-5023920-C-A. GRCh37 (hg19) VCF-style: chr17-4927215-C-A.
Other names: short protein forms H1027Q.
Identifiers: ClinVar variation 1188020 (VCV001188020.7), dbSNP rs752457302, ClinGen allele CA8319477.